The following is an entry in ClinVar:

ClinVar aggregate classification (germline): Uncertain significance (1 of 4 stars; one submission).

Submission:

Labcorp Genetics (formerly Invitae), Labcorp
Classification: Uncertain significance. Last evaluated: 2022-06-13. Review status: criteria provided, single submitter. Criteria: Invitae Variant Classification Sherloc (09022015). Collection method: clinical testing. Allele origin: germline.
Comment: In summary, the available evidence is currently insufficient to determine the role of this variant in disease. Therefore, it has been classified as a Variant of Uncertain Significance. Algorithms developed to predict the effect of missense changes on protein structure and function are either unavailable or do not agree on the potential impact of this missense change (SIFT: "Deleterious"; PolyPhen-2: "Probably Damaging"; Align-GVGD: "Class C0"). This variant has not been reported in the literature in individuals affected with ADAM9-related conditions. This variant is not present in population databases (gnomAD no frequency). This sequence change replaces asparagine, which is neutral and polar, with histidine, which is basic and polar, at codon 487 of the ADAM9 protein (p.Asn487His).

NM_003816.3(ADAM9):c.1459A>C (p.Asn487His)

Gene: ADAM9 (ADAM metallopeptidase domain 9; plus strand). Cytogenetic location: 8p11.22.
Variant type: single nucleotide variant.
Coding change: c.1459A>C on transcript NM_003816.3 (MANE Select); coding-DNA position 1459, A replaced by C.
Protein change: p.Asn487His; replaces asparagine 487 with histidine.
Molecular consequence: missense variant. On other transcripts: non-coding transcript variant (3).
Genome position (GRCh38, 1-based): chr8:39,055,640, A>C. VCF-style: chr8-39055640-A-C. GRCh37 (hg19) VCF-style: chr8-38913159-A-C.
Other names: short protein forms N487H.
Identifiers: ClinVar variation 1523722 (VCV001523722.8), dbSNP rs2129438797, ClinGen allele CA370743642.